The following is an entry in ClinVar:

NM_007215.4(POLG2):c.404del (p.Pro135fs)

Genes: MILR1 (mast cell immunoglobulin like receptor 1; plus strand), POLG2 (DNA polymerase gamma 2, accessory subunit; minus strand). Cytogenetic location: 17q23.3.
Variant type: Deletion.
Coding change: c.404del on transcript NM_007215.4 (MANE Select); coding-DNA position 404, one base deleted (C; older notation c.404delC).
Protein change: p.Pro135fs; shifts the reading frame from proline 135.
Molecular consequence: frameshift variant.
Genome position (GRCh38, 1-based): chr17:64,496,565, G deleted on the plus strand (C on the coding strand, the reverse complement: POLG2 is on the minus strand); the first of 2 consecutive G bases (chr17:64,496,565-64,496,566); deleting either gives the same sequence. VCF-style (leftmost placement, unchanged base first): chr17-64496564-TG-T. GRCh37 (hg19) VCF-style: chr17-62492682-TG-T.
Other names: short protein forms P135fs.
Identifiers: ClinVar variation 3618981 (VCV003618981.2).

ClinVar aggregate classification (germline): Pathogenic (1 of 4 stars; one submission).

Submission:

Labcorp Genetics (formerly Invitae), Labcorp
Classification: Pathogenic. Last evaluated: 2024-09-23. Review status: criteria provided, single submitter. Criteria: Invitae Variant Classification Sherloc (09022015). Collection method: clinical testing. Allele origin: germline.
Comment: This sequence change creates a premature translational stop signal (p.Pro135Glnfs*13) in the POLG2 gene. It is expected to result in an absent or disrupted protein product. Loss-of-function variants in POLG2 are known to be pathogenic (PMID: 28078310, 29625556). This variant is present in population databases (no rsID available, gnomAD 0.007%). This variant has not been reported in the literature in individuals affected with POLG2-related conditions. For these reasons, this variant has been classified as Pathogenic.

Literature cited by the submitters: PubMed 28078310; PubMed 29625556.